The following is an entry in ClinVar:

NM_015443.4(KANSL1):c.2377T>A (p.Ser793Thr)

Gene: KANSL1 (KAT8 regulatory NSL complex subunit 1). Cytogenetic location: 17q21.31.
Variant type: single nucleotide variant.
Coding change: c.2377T>A on transcript NM_015443.4 (MANE Select); coding-DNA position 2377, T replaced by A.
Protein change: p.Ser793Thr; replaces serine 793 with threonine.
Molecular consequence: missense variant.
Genome position (GRCh38, 1-based): chr17:46,039,042, A>T on the plus strand (T>A on the coding strand, the complement: KANSL1 is on the minus strand). VCF-style: chr17-46039042-A-T. GRCh37 (hg19) VCF-style: chr17-44116408-A-T.
Other names: c.2377T>A, p.Ser793Thr (NM_001193465.2, NM_001193466.2, NM_001379198.1); short protein forms S793T.
Identifiers: ClinVar variation 860949 (VCV000860949.10), dbSNP rs2077233312, ClinGen allele CA399980809.

ClinVar aggregate classification (germline): Uncertain significance. Review status: criteria provided, multiple submitters, no conflicts (2 of 4 stars). 2 submissions from 2 submitters: Uncertain significance (2). Last evaluated 2025-08-21.

Conditions:
Inborn genetic diseases. Identifiers: MedGen C0950123, MeSH D030342.
Koolen-de Vries syndrome (KDVS). Identifiers: Orphanet 96169, MedGen C1864871, MONDO:0012496, OMIM 610443.

Allele frequency attached by ClinVar (database versions not stated): gnomAD exomes below 0.00001.
gnomAD v4.1: 1 of 1,611,290 alleles (0.000062%); highest among the groups gnomAD compares: Non-Finnish European, 0.000085%; no homozygotes.

Submissions (2):

Ambry Genetics
Classification: Uncertain significance for Inborn genetic diseases. Last evaluated: 2025-08-21. Review status: criteria provided, single submitter. Criteria: Ambry Variant Classification Scheme 2023. Collection method: clinical testing. Allele origin: germline.

Labcorp Genetics (formerly Invitae), Labcorp
Classification: Uncertain significance for Koolen-de Vries syndrome. Last evaluated: 2025-07-02. Review status: criteria provided, single submitter. Criteria: Invitae Variant Classification Sherloc (09022015). Collection method: clinical testing. Allele origin: germline.
Comment: This sequence change replaces serine, which is neutral and polar, with threonine, which is neutral and polar, at codon 793 of the KANSL1 protein (p.Ser793Thr). This variant is not present in population databases (gnomAD no frequency). This variant has not been reported in the literature in individuals affected with KANSL1-related conditions. ClinVar contains an entry for this variant (Variation ID: 860949). Invitae Evidence Modeling of protein sequence and biophysical properties (such as structural, functional, and spatial information, amino acid conservation, physicochemical variation, residue mobility, and thermodynamic stability) indicates that this missense variant is not expected to disrupt KANSL1 protein function with a negative predictive value of 80%. In summary, the available evidence is currently insufficient to determine the role of this variant in disease. Therefore, it has been classified as a Variant of Uncertain Significance.